The following is an entry in ClinVar:

NM_001321075.3(DLG4):c.580A>T (p.Ile194Phe)

Gene: DLG4 (discs large MAGUK scaffold protein 4; minus strand). Cytogenetic location: 17p13.1.
Variant type: single nucleotide variant.
Coding change: c.580A>T on transcript NM_001321075.3 (MANE Select); coding-DNA position 580, A replaced by T.
Protein change: p.Ile194Phe; replaces isoleucine 194 with phenylalanine.
Molecular consequence: missense variant. On other transcripts: non-coding transcript variant (1).
Genome position (GRCh38, 1-based): chr17:7,203,255, T>A on the plus strand (A>T on the coding strand, the complement: DLG4 is on the minus strand). VCF-style: chr17-7203255-T-A. GRCh37 (hg19) VCF-style: chr17-7106574-T-A.
Other names: c.571A>T, p.Ile191Phe (NM_001128827.4); c.700A>T, p.Ile234Phe (NM_001321074.1); c.400A>T, p.Ile134Phe (NM_001321076.3, NM_001321077.3); c.709A>T, p.Ile237Phe (NM_001365.5); c.499A>T, p.Ile167Phe (NM_001369566.3); short protein forms I234F, I237F, I194F, I167F, I134F, I191F.
Identifiers: ClinVar variation 4996913 (VCV004996913.1).

ClinVar aggregate classification (germline): Uncertain significance (1 of 4 stars; one submission).

Conditions:
DLG4-related disorder. Also called: DLG4-related condition.

Submission:

PreventionGenetics, part of Exact Sciences
Classification: Uncertain significance for DLG4-related condition. Last evaluated: 2024-10-25. Review status: criteria provided, single submitter. Criteria: ACMG Guidelines, 2015. Collection method: clinical testing. Allele origin: germline.
Comment: The DLG4 c.709A>T variant is predicted to result in the amino acid substitution p.Ile237Phe. To our knowledge, this variant has not been reported in the literature or in a large population database (gnomAD), indicating this variant is rare. At this time, the clinical significance of this variant is uncertain due to the absence of conclusive functional and genetic evidence.